The following is an entry in ClinVar:

ClinVar aggregate classification (germline): Pathogenic (1 of 4 stars; one submission).

Conditions:
Familial hemophagocytic lymphohistiocytosis 2 (FHL2). Also called: PRF1-Related Familial Hemophagocytic Lymphohistiocytosis (PRF1-fHLH). Identifiers: Orphanet 540, MedGen C1863727, MONDO:0011337, OMIM 603553.

Submission:

Labcorp Genetics (formerly Invitae), Labcorp
Classification: Pathogenic for Familial hemophagocytic lymphohistiocytosis 2. Last evaluated: 2023-04-06. Review status: criteria provided, single submitter. Criteria: Invitae Variant Classification Sherloc (09022015). Collection method: clinical testing. Allele origin: germline.
Comment: This sequence change creates a premature translational stop signal (p.His144Argfs*114) in the PRF1 gene. While this is not anticipated to result in nonsense mediated decay, it is expected to disrupt the last 412 amino acid(s) of the PRF1 protein. This variant is not present in population databases (gnomAD no frequency). This variant has not been reported in the literature in individuals affected with PRF1-related conditions. This variant disrupts a region of the PRF1 protein in which other variant(s) (p.C497*) have been determined to be pathogenic (PMID: 11841437). This suggests that this is a clinically significant region of the protein, and that variants that disrupt it are likely to be disease-causing. For these reasons, this variant has been classified as Pathogenic.

Literature cited by the submitters: PubMed 11841437.

NM_001083116.3(PRF1):c.431_434del (p.His144fs)

Gene: PRF1 (perforin 1; minus strand). Cytogenetic location: 10q22.1.
Variant type: Deletion.
Coding change: c.431_434del on transcript NM_001083116.3 (MANE Select); coding-DNA positions 431 to 434, 4 bases deleted (ATGT; older notation c.431_434delATGT).
Protein change: p.His144fs; shifts the reading frame from histidine 144.
Molecular consequence: frameshift variant.
Genome position (GRCh38, 1-based): chr10:70,600,469-70,600,472, ACAT deleted on the plus strand (ATGT on the coding strand, the reverse complement: PRF1 is on the minus strand). VCF-style (leftmost placement, unchanged base first): chr10-70600468-CACAT-C. GRCh37 (hg19) VCF-style: chr10-72360224-CACAT-C.
Other names: c.431_434del, p.His144fs (NM_005041.6); short protein forms H144fs.
Identifiers: ClinVar variation 2852217 (VCV002852217.3), dbSNP rs2493487050, ClinGen allele CA2739275770.